The following is an entry in ClinVar:

NM_015386.3(COG4):c.2342G>A (p.Ser781Asn)

Gene: COG4 (component of oligomeric golgi complex 4; minus strand). Cytogenetic location: 16q22.1.
Variant type: single nucleotide variant.
Coding change: c.2342G>A on transcript NM_015386.3 (MANE Select); coding-DNA position 2342, G replaced by A.
Protein change: p.Ser781Asn; replaces serine 781 with asparagine.
Molecular consequence: missense variant. On other transcripts: non-coding transcript variant (1).
Genome position (GRCh38, 1-based): chr16:70,481,038, C>T on the plus strand (G>A on the coding strand, the complement: COG4 is on the minus strand). VCF-style: chr16-70481038-C-T. GRCh37 (hg19) VCF-style: chr16-70514941-C-T.
Other names: c.2267G>A, p.Ser756Asn (NM_001195139.2); c.1916G>A, p.Ser639Asn (NM_001365426.1); short protein forms S781N, S639N, S756N.
Identifiers: ClinVar variation 1950532 (VCV001950532.5), dbSNP rs1407223681, ClinGen allele CA396577194.

ClinVar aggregate classification (germline): Uncertain significance (1 of 4 stars; one submission).

Conditions:
COG4-congenital disorder of glycosylation. Also called: COG4-CDG; CONGENITAL DISORDER OF GLYCOSYLATION, TYPE IIj; CDG IIj. Identifiers: Orphanet 263501, MedGen C4303552, MONDO:0013281, OMIM 613489.

Allele frequency attached by ClinVar (database versions not stated): TOPMed below 0.00001; gnomAD exomes 0.00001.
gnomAD v4.1: 8 of 1,613,136 alleles (0.0005%); highest among the groups gnomAD compares: Admixed American, 0.0067%; no homozygotes.

Submission:

Labcorp Genetics (formerly Invitae), Labcorp
Classification: Uncertain significance for COG4-congenital disorder of glycosylation. Last evaluated: 2024-11-11. Review status: criteria provided, single submitter. Criteria: Invitae Variant Classification Sherloc (09022015). Collection method: clinical testing. Allele origin: germline.
Comment: This sequence change replaces serine, which is neutral and polar, with asparagine, which is neutral and polar, at codon 781 of the COG4 protein (p.Ser781Asn). This variant is present in population databases (no rsID available, gnomAD 0.009%). This variant has not been reported in the literature in individuals affected with COG4-related conditions. ClinVar contains an entry for this variant (Variation ID: 1950532). An algorithm developed to predict the effect of missense changes on protein structure and function outputs the following: PolyPhen-2: "Benign". The asparagine amino acid residue is found in multiple mammalian species, which suggests that this missense change does not adversely affect protein function. In summary, the available evidence is currently insufficient to determine the role of this variant in disease. Therefore, it has been classified as a Variant of Uncertain Significance.